The following is an entry in ClinVar:

ClinVar aggregate classification (germline): Conflicting classifications of pathogenicity. Review status: criteria provided, conflicting classifications (1 of 4 stars). 4 submissions from 4 submitters: Uncertain significance (2); Likely benign (2). Last evaluated 2026-03-12.

Conditions:
MYO7A-related disorder. Also called: MYO7A-related disorders.

Allele frequency attached by ClinVar (database versions not stated): gnomAD 0.00001 and 0.00002; gnomAD exomes 0.00001; TOPMed 0.00003.
gnomAD v4.1: 50 of 1,593,556 alleles (0.0031%); highest among the groups gnomAD compares: Non-Finnish European, 0.004%; no homozygotes.

Submissions (4):

PreventionGenetics, part of Exact Sciences
Classification: Likely benign for MYO7A-related condition. Last evaluated: 2026-03-12. Review status: criteria provided, single submitter. Criteria: ACMG Guidelines, 2015. Collection method: clinical testing. Allele origin: germline.
Comment: This variant is classified as likely benign based on ACMG/AMP sequence variant interpretation guidelines (Richards et al. 2015 PMID: 25741868, with internal and published modifications).

Labcorp Genetics (formerly Invitae), Labcorp
Classification: Likely benign. Last evaluated: 2024-02-19. Review status: criteria provided, single submitter. Criteria: Invitae Variant Classification Sherloc (09022015). Collection method: clinical testing. Allele origin: germline.

Blueprint Genetics
Classification: Uncertain significance. Last evaluated: 2024-01-16. Review status: criteria provided, single submitter. Criteria: ACMG Guidelines, 2015. Collection method: clinical testing. Allele origin: germline.

Athena Diagnostics
Classification: Uncertain significance. Last evaluated: 2019-09-30. Review status: criteria provided, single submitter. Criteria: Athena Diagnostics Criteria. Collection method: clinical testing. Allele origin: unknown.

NM_000260.4(MYO7A):c.5327-10C>T

Gene: MYO7A (myosin VIIA; plus strand). Cytogenetic location: 11q13.5.
Variant type: single nucleotide variant.
Coding change: c.5327-10C>T on transcript NM_000260.4 (MANE Select); 10 bases into the intron before coding-DNA position 5327, C replaced by T.
Molecular consequence: intron variant.
Genome position (GRCh38, 1-based): chr11:77,204,066, C>T. VCF-style: chr11-77204066-C-T. GRCh37 (hg19) VCF-style: chr11-76915111-C-T.
Other names: c.5180-10C>T (NM_001369365.1); c.5213-10C>T (NM_001127180.2).
Identifiers: ClinVar variation 995141 (VCV000995141.13), dbSNP rs781062618, ClinGen allele CA224853165.